The following is an entry in ClinVar:

ClinVar aggregate classification (germline): Uncertain significance. Review status: criteria provided, multiple submitters, no conflicts (2 of 4 stars). 2 submissions from 2 submitters: Uncertain significance (2). Last evaluated 2026-03-18.

Conditions:
LTBP3-related disorder. Also called: LTBP3-related condition.
Brachyolmia-amelogenesis imperfecta syndrome. Also called: Dental anomalies and short stature; Tooth agenesis, selective, 6; PLATYSPONDYLY WITH AMELOGENESIS IMPERFECTA. Identifiers: Orphanet 2899, MedGen C1832594, MONDO:0011018, OMIM 601216. Disease mechanism: loss of function.

Allele frequency attached by ClinVar (database versions not stated): ExAC 0.00002; gnomAD 0.00003; gnomAD exomes 0.00003; TOPMed 0.00003.

Submissions (2):

PreventionGenetics, part of Exact Sciences
Classification: Uncertain significance for LTBP3-related condition. Last evaluated: 2026-03-18. Review status: criteria provided, single submitter. Criteria: ACMG Guidelines, 2015. Collection method: clinical testing. Allele origin: germline.
Comment: The LTBP3 c.526G>A variant is predicted to result in the amino acid substitution p.Gly176Ser. To our knowledge, this variant has not been reported in the literature. This variant is reported in 0.0049% of alleles in individuals of European (Non-Finnish) descent in gnomAD. At this time, the clinical significance of this variant is uncertain due to the absence of conclusive functional and genetic evidence.

Labcorp Genetics (formerly Invitae), Labcorp
Classification: Uncertain significance for Brachyolmia-amelogenesis imperfecta syndrome. Last evaluated: 2025-07-13. Review status: criteria provided, single submitter. Criteria: Invitae Variant Classification Sherloc (09022015). Collection method: clinical testing. Allele origin: germline.
Comment: This sequence change replaces glycine, which is neutral and non-polar, with serine, which is neutral and polar, at codon 176 of the LTBP3 protein (p.Gly176Ser). This variant is present in population databases (rs757514180, gnomAD 0.005%). This variant has not been reported in the literature in individuals affected with LTBP3-related conditions. ClinVar contains an entry for this variant (Variation ID: 1979734). An algorithm developed to predict the effect of missense changes on protein structure and function outputs the following: PolyPhen-2: "Benign". The serine amino acid residue is found in multiple mammalian species, which suggests that this missense change does not adversely affect protein function. In summary, the available evidence is currently insufficient to determine the role of this variant in disease. Therefore, it has been classified as a Variant of Uncertain Significance.

NM_001130144.3(LTBP3):c.526G>A (p.Gly176Ser)

Gene: LTBP3 (latent transforming growth factor beta binding protein 3; minus strand). Cytogenetic location: 11q13.1.
Variant type: single nucleotide variant.
Coding change: c.526G>A on transcript NM_001130144.3 (MANE Select); coding-DNA position 526, G replaced by A.
Protein change: p.Gly176Ser; replaces glycine 176 with serine.
Molecular consequence: missense variant.
Genome position (GRCh38, 1-based): chr11:65,554,186, C>T on the plus strand (G>A on the coding strand, the complement: LTBP3 is on the minus strand). VCF-style: chr11-65554186-C-T. GRCh37 (hg19) VCF-style: chr11-65321657-C-T.
Other names: c.175G>A, p.Gly59Ser (NM_001164266.1); c.526G>A, p.Gly176Ser (NM_021070.4); c.526G>A (NM_001130144.2); short protein forms G176S, G59S.
Identifiers: ClinVar variation 1979734 (VCV001979734.5), dbSNP rs757514180, ClinGen allele CA6101216.
Genomic context (GRCh38, chr11:65,554,186, plus strand): 5'-CAGGAGGGTCAGCGATCACCTGGACGGCGTAGATGGCGTGCTTGCTGGCCACAGAGTCGC[C>T]CTCCGGAGCCAGGGGCGGCAGCGCCCCTGTGGACAGGGCCCCTGTCCTGCTCAGGCCGGG-3'
Protein context (NP_001123616.1, residues 166-186): TGALPPLAPE[Gly176Ser]DSVASKHAIY